The following is an entry in ClinVar:

ClinVar aggregate classification (germline): Uncertain significance (1 of 4 stars; one submission).

Conditions:
Aortic valve disease 2 (AOVD2). Identifiers: MedGen C3542024, MONDO:0013902, OMIM 614823.

Submission:

Labcorp Genetics (formerly Invitae), Labcorp
Classification: Uncertain significance for Aortic valve disease 2. Last evaluated: 2023-07-31. Review status: criteria provided, single submitter. Criteria: Invitae Variant Classification Sherloc (09022015). Collection method: clinical testing. Allele origin: germline.
Comment: In summary, the available evidence is currently insufficient to determine the role of this variant in disease. Therefore, it has been classified as a Variant of Uncertain Significance. This sequence change creates a premature translational stop signal (p.Ser102Alafs*23) in the SMAD6 gene. It is expected to result in an absent or disrupted protein product. However, the current clinical and genetic evidence is not sufficient to establish whether loss-of-function variants in SMAD6 cause disease. This variant is not present in population databases (gnomAD no frequency). This variant has not been reported in the literature in individuals affected with SMAD6-related conditions.

NM_005585.5(SMAD6):c.303del (p.Ser102fs)

Gene: SMAD6 (SMAD family member 6; plus strand). Cytogenetic location: 15q22.31.
Variant type: Deletion.
Coding change: c.303del on transcript NM_005585.5 (MANE Select); coding-DNA position 303, one base deleted (G; older notation c.303delG).
Protein change: p.Ser102fs; shifts the reading frame from serine 102.
Molecular consequence: frameshift variant. On other transcripts: non-coding transcript variant (1).
Genome position (GRCh38, 1-based): chr15:66,703,561, G deleted; the last of 3 consecutive G bases (chr15:66,703,559-66,703,561); deleting any one gives the same sequence. VCF-style (leftmost placement, unchanged base first): chr15-66703558-TG-T. GRCh37 (hg19) VCF-style: chr15-66995896-TG-T.
Other names: short protein forms S102fs.
Identifiers: ClinVar variation 2748628 (VCV002748628.3), dbSNP rs2545311295, ClinGen allele CA2629100975.
Genomic context (GRCh38, chr15:66,703,558, plus strand): 5'-GGGGAGGCGCCGGCGCGCAGGGGGCCCCCCGAGGCCCATGTCGGAGCCAGGGGCCGGCGC[TG>T]GGAGCTCCCTGCTGGACGTGGCGGAGCCGGGAGGCCCGGGCTGGCTGCCCGAGAGTGACT-3'